The following is an entry in ClinVar:

ClinVar aggregate classification (germline): Conflicting classifications of pathogenicity. Review status: criteria provided, conflicting classifications (1 of 4 stars). 4 submissions from 4 submitters: Uncertain significance (1); Benign (1); Likely benign (1). 1 of the submissions does not count toward it. Last evaluated 2026-04-01.

Conditions:
Thyroid dyshormonogenesis 1. Also called: Familial thyroid dyshormonogenesis 1; HYPOTHYROIDISM, CONGENITAL, DUE TO DYSHORMONOGENESIS, 1; IODINE ACCUMULATION, TRANSPORT, OR TRAPPING DEFECT; THYROID HORMONOGENESIS, GENETIC DEFECT IN, 1. Identifiers: Orphanet 95716, MedGen C1848805, MONDO:0020716, OMIM 274400.
SLC5A5-related disorder. Also called: SLC5A5-related condition.

Allele frequency attached by ClinVar (database versions not stated): 1000 Genomes Project 0.00359; 1000 Genomes Project 30x 0.00359; TOPMed 0.00719; gnomAD 0.00723; ExAC 0.00742; gnomAD exomes 0.00758; ESP Exome Variant Server 0.00792.
gnomAD v4.1: 13,602 of 1,606,004 alleles (0.85%); highest among the groups gnomAD compares: Middle Eastern, 1.6%; 86 homozygotes.

Submissions (4):

CeGaT Center for Human Genetics Tuebingen
Classification: Likely benign. Last evaluated: 2026-04-01. Review status: criteria provided, single submitter. Criteria: CeGaT Center For Human Genetics Tuebingen Variant Classification Criteria Version 2. Collection method: clinical testing. Allele origin: germline. Affected: yes. Observed: 4 variant alleles.
Comment: SLC5A5: BP4, BS2

Labcorp Genetics (formerly Invitae), Labcorp
Classification: Benign. Last evaluated: 2026-01-27. Review status: criteria provided, single submitter. Criteria: Invitae Variant Classification Sherloc (09022015). Collection method: clinical testing. Allele origin: germline.

Illumina Laboratory Services, Illumina
Classification: Uncertain significance for Thyroid dyshormonogenesis 1. Last evaluated: 2018-01-13. Review status: criteria provided, single submitter. Criteria: ICSL Variant Classification Criteria 13 December 2019. Collection method: clinical testing. Allele origin: germline.

PreventionGenetics, part of Exact Sciences
Classification: Benign for SLC5A5-related condition. Last evaluated: 2019-03-13. Review status: no assertion criteria provided. Collection method: clinical testing. Allele origin: germline. Not counted in ClinVar's aggregate classification.
Comment: This variant is classified as benign based on ACMG/AMP sequence variant interpretation guidelines (Richards et al. 2015 PMID: 25741868, with internal and published modifications).

NM_000453.3(SLC5A5):c.1058+8C>T

Gene: SLC5A5 (solute carrier family 5 member 5; plus strand). Cytogenetic location: 19p13.11.
Variant type: single nucleotide variant.
Coding change: c.1058+8C>T on transcript NM_000453.3 (MANE Select); 8 bases into the intron after coding-DNA position 1058, C replaced by T.
Molecular consequence: intron variant.
Genome position (GRCh38, 1-based): chr19:17,880,961, C>T. VCF-style: chr19-17880961-C-T. GRCh37 (hg19) VCF-style: chr19-17991770-C-T.
Identifiers: ClinVar variation 771215 (VCV000771215.36), dbSNP rs189249326, ClinGen allele CA9302985.
Genomic context (GRCh38, chr19:17,880,961, plus strand): 5'-CTGCCTGGAGTCCCCGGGCTTTTCCTGGCCTGTGCTTACAGTGGCACCCTCAGGTGAGCA[C>T]CCCTGCTTGTTCATGGAGCATTATTTCAGCCCCTGGGAGCCTCCTTATCCTGGCCTGCCA-3'